The following is an entry in ClinVar:

ClinVar aggregate classification (germline): Uncertain significance. Review status: criteria provided, multiple submitters, no conflicts (2 of 4 stars). 2 submissions from 2 submitters: Uncertain significance (2). Last evaluated 2024-10-24.

Allele frequency attached by ClinVar (database versions not stated): TOPMed 0.00013.
gnomAD v4.1: 56 of 1,605,578 alleles (0.0035%); highest among the groups gnomAD compares: Non-Finnish European, 0.0042%; no homozygotes.

Submissions (2):

Labcorp Genetics (formerly Invitae), Labcorp
Classification: Uncertain significance. Last evaluated: 2024-10-24. Review status: criteria provided, single submitter. Criteria: Invitae Variant Classification Sherloc (09022015). Collection method: clinical testing. Allele origin: germline.
Comment: This sequence change replaces proline, which is neutral and non-polar, with leucine, which is neutral and non-polar, at codon 335 of the PDE6C protein (p.Pro335Leu). This variant is present in population databases (rs777483878, gnomAD 0.008%). This variant has not been reported in the literature in individuals affected with PDE6C-related conditions. ClinVar contains an entry for this variant (Variation ID: 852219). Invitae Evidence Modeling of protein sequence and biophysical properties (such as structural, functional, and spatial information, amino acid conservation, physicochemical variation, residue mobility, and thermodynamic stability) indicates that this missense variant is not expected to disrupt PDE6C protein function with a negative predictive value of 80%. In summary, the available evidence is currently insufficient to determine the role of this variant in disease. Therefore, it has been classified as a Variant of Uncertain Significance.

Blueprint Genetics
Classification: Uncertain significance. Last evaluated: 2023-11-15. Review status: criteria provided, single submitter. Criteria: ACMG Guidelines, 2015. Collection method: clinical testing. Allele origin: germline.

NM_006204.4(PDE6C):c.1004C>T (p.Pro335Leu)

Gene: PDE6C (phosphodiesterase 6C; plus strand). Cytogenetic location: 10q23.33.
Variant type: single nucleotide variant.
Coding change: c.1004C>T on transcript NM_006204.4 (MANE Select); coding-DNA position 1004, C replaced by T.
Protein change: p.Pro335Leu; replaces proline 335 with leucine.
Molecular consequence: missense variant.
Genome position (GRCh38, 1-based): chr10:93,626,704, C>T. VCF-style: chr10-93626704-C-T. GRCh37 (hg19) VCF-style: chr10-95386461-C-T.
Other names: short protein forms P335L.
Identifiers: ClinVar variation 852219 (VCV000852219.9), dbSNP rs777483878, ClinGen allele CA5610006.